The following continues an entry in ClinVar:

NM_000531.6(OTC):c.118C>T (p.Arg40Cys)

Gene: OTC. ClinVar aggregate classification (germline): Likely pathogenic. Likely pathogenic (1).

Submissions 6 to 17 of 17:

Color Diagnostics, LLC DBA Color Health
Classification: Pathogenic for Ornithine carbamoyltransferase deficiency. Last evaluated: 2025-06-02. Review status: criteria provided, single submitter. Criteria: ACMG Guidelines, 2015. Collection method: clinical testing. Allele origin: germline. Not counted in ClinVar's aggregate classification.
Comment: This missense variant replaces arginine with cysteine at codon 40 of the OTC protein. Computational prediction suggests that this variant may have deleterious impact on protein structure and function. This variant has been identified in 3/204695 chromosomes in the general population by the Genome Aggregation Database (gnomAD). This variant has been reported in at least three unrelated males affected with late onset ornithine transcarbamylase deficiency (PMID: 7860066, 11260212, 20406775, 27738433ClinVar SCV000756189.7). The proband's mother and sister were asymptomatic heterozygous carriers (PMID: 7860066, 11260212). Lang et al. (2025, DOI 10.1016/j.gimo.2025.102851) have conducted a comprehensive investigation of this variant in the literature, as well as in a retrospective review of individuals who were evaluated in the Texas Children's Hospital's Metabolic Genetics Clinic from 1995-2024, individuals reported in the Urea Cycle Disorders Consortium's database, and the carriers of this variant identified in the All of Us Research Program restricted tier dataset v7. This study has identified the p.Arg40Cys variant in 8 males and 5 females. Six males had symptomatic hyperammonemia with a median age of onset of 25.5 years (range 9 to 66 years)three died from their first hyperammonemic crisis. There were no instances of neonatal hyperammonemia in males. None of the females had hyperammonemia. In a validated functional study using yeast cells, Lang et al. have shown the mutant protein to be partially active. A different missense variant occurring at the same codon, p.Arg40His, is reported to cause disease (ClinVar Variation ID: 11014), indicating that arginine at this position is important for OTC protein function. Based on the available evidence, the p.Arg40Cys variant is classified as Pathogenic. This variant is hypomorphic and causative of late-onset disease in males.

Natera, Inc.
Classification: Likely pathogenic for Ornithine transcarbamylase deficiency. Last evaluated: 2024-09-18. Review status: criteria provided, single submitter. Criteria: Natera Variant Classification Schema (03/2026). Collection method: clinical testing. Allele origin: germline. Not counted in ClinVar's aggregate classification.
Comment: The c.118C>T variant in OTC is a missense variant predicted to cause substitution of arginine to cysteine at amino acid 40. This variant is rare in the general population with a frequency below the threshold expected for the associated phenotype(s). This variant has been observed in affected individual(s) with monoallelic occurrence (heterozygous/hemizygous) (PMID: 35046116, 34014569, 7860066, 11260212, 20406775, 23209112). A different variant at the same position has been determined to be Pathogenic or Likely Pathogenic. Computational prediction algorithms indicate this variant is likely to affect gene or protein function. Given the available evidence, this variant is classified as Likely Pathogenic.

All of Us Research Program, National Institutes of Health
Classification: Pathogenic for Ornithine carbamoyltransferase deficiency. Last evaluated: 2024-08-30. Review status: criteria provided, single submitter. Criteria: ACMG Guidelines, 2015. Collection method: clinical testing. Allele origin: germline. Inheritance: X-linked inheritance. Observed: 3 variant alleles, 3 heterozygotes. Not counted in ClinVar's aggregate classification.
Comment: This missense variant replaces arginine with cysteine at codon 40 of the OTC protein. Computational prediction suggests that this variant may have deleterious impact on protein structure and function. To our knowledge, functional studies have not been reported for this variant. This variant has been reported in at least three unrelated male individuals affected with late onset ornithine transcarbamylase deficiency (PMID: 7860066, 11260212, 20406775, 27738433; ClinVar Accession: SCV000756189.7). The proband's mother and sister were asymptomatic heterozygous carriers (PMID: 7860066, 11260212). This variant has been identified in 3/204695 chromosomes in the general population by the Genome Aggregation Database (gnomAD). A different missense variant occurring at the same codon, p.Arg40His, is reported to cause disease (ClinVar Variation ID: 11014), indicating that arginine at this position is important for OTC protein function. Based on the available evidence, this variant is classified as Pathogenic.

This study involves interpretation of variants in research participants for the purpose of population health screening. Participant phenotype was not available at the time of variant classification. Additional details can be found in publication PMID: 35346344, PMCID: PMC8962531

CeGaT Center for Human Genetics Tuebingen
Classification: Pathogenic. Last evaluated: 2024-04-01. Review status: criteria provided, single submitter. Criteria: CeGaT Center For Human Genetics Tuebingen Variant Classification Criteria Version 2. Collection method: clinical testing. Allele origin: germline. Affected: yes. Observed: 1 variant allele. Not counted in ClinVar's aggregate classification.
Comment: OTC: PM1, PM2, PM5, PP4:Moderate, PS4:Moderate

Blueprint Genetics
Classification: Pathogenic for OTC-related disorders. Last evaluated: 2022-08-22. Review status: criteria provided, single submitter. Criteria: ACMG Guidelines, 2015. Collection method: clinical testing. Allele origin: germline. Affected: yes. Observed: 3 variant alleles. Not counted in ClinVar's aggregate classification.

Genome-Nilou Lab
Classification: Pathogenic for Ornithine carbamoyltransferase deficiency. Last evaluated: 2021-11-07. Review status: criteria provided, single submitter. Criteria: ACMG Guidelines, 2015. Collection method: clinical testing. Allele origin: germline. Affected: no. Not counted in ClinVar's aggregate classification.

Laboratory for Molecular Medicine, Mass General Brigham Personalized Medicine
Classification: Likely pathogenic for Ornithine carbamoyltransferase deficiency. Last evaluated: 2021-06-24. Review status: criteria provided, single submitter. Criteria: ACMG Guidelines, 2015. Collection method: clinical testing. Allele origin: germline. Not counted in ClinVar's aggregate classification.
Comment: The p.Arg40Cys variant in OTC has been previously reported in at least 2 hemizygous males with clinical features of late onset ornithine transcarbamylase (OTC) deficiency (Oppliger Leibundgut 1995 PMID: 7860066, Ploechl 2001 PMID: 11260212, Thurlow 2010 PMID: 20406775). This variant has been reported in ClinVar (Variation ID 11013) and has been identified in 0.003% (3/92405) of European chromosomes by gnomAD, including 1 hemizygote. Computational prediction tools and conservation analysis suggest that this variant may impact the protein. Another variant at the same position, p.Arg40His, has been reported in several probands with features of OTC deficiency is also classified in ClinVar by other clinical laboratories as pathogenic or likely pathogenic (Variation ID 11014). In summary, although additional studies are required to fully establish its clinical significance, this variant meets criteria to be classified as likely pathogenic for X-Linked OTC deficiency. ACMG/AMP criteria applied: PS4_Moderate, PP1, PS3_Supporting, PP3, PM5_Supporting.

Women's Health and Genetics/Laboratory Corporation of America, LabCorp
Classification: Pathogenic for Ornithine carbamoyltransferase deficiency. Last evaluated: 2020-06-15. Review status: criteria provided, single submitter. Criteria: LabCorp Variant Classification Summary - May 2015. Collection method: clinical testing. Allele origin: germline. Not counted in ClinVar's aggregate classification.
Comment: Variant summary: OTC c.118C>T (p.Arg40Cys) results in a non-conservative amino acid change located in the Aspartate/ornithine carbamoyl transferase, carbamoyl-P binding domain (IPR006132) of the encoded protein sequence. Five of five in-silico tools predict a damaging effect of the variant on protein function. The variant allele was found at a frequency of 1.1e-05 in 183119 control chromosomes. c.118C>T has been reported in the literature in individuals affected with later onset Ornithine Transcarbamylase Deficiency and has subsequently cited by others (example, Oppliger Leibundgut_1995, Ploechl_2001, Thurlow_2010, Cavicchi_2014, Caldovic_2015, Ihara_2012). These data indicate that the variant may be associated with disease. At least one publication reports experimental evidence evaluating an impact on protein function. The most pronounced variant effect results in <10% of normal OTC activity (Oppliger Leibundgut_1995). Two clinical diagnostic laboratories have submitted clinical-significance assessments for this variant to ClinVar after 2014 without evidence for independent evaluation. All laboratories classified the variant as likely pathogenic citing overlapping evidence utilized in the context of this evaluation. Lastly, another variant at this codon, p.Arg40His has been reported in patients with OTC deficiency supporting the functional relevance of this residue. Based on the evidence outlined above, the variant was classified as pathogenic for fatal late-onset OTC deficiency in boys.

Fulgent Genetics
Classification: Likely pathogenic for Ornithine carbamoyltransferase deficiency. Last evaluated: 2018-10-31. Review status: criteria provided, single submitter. Criteria: ACMG Guidelines, 2015. Collection method: clinical testing. Allele origin: unknown. Not counted in ClinVar's aggregate classification.

Juno Genomics, Hangzhou Juno Genomics, Inc
Classification: Likely pathogenic for Ornithine carbamoyltransferase deficiency. Review status: criteria provided, single submitter. Criteria: ACMG Guidelines, 2015. Collection method: clinical testing. Allele origin: germline. Not counted in ClinVar's aggregate classification.
Comment: Multiple lines of computational evidence support a deleterious effect on the gene or gene product.;The prevalence of the variant in affected individuals is significantly increased compared to the prevalence in controls.;Novel missense change at an amino acid residue where a different missense change determined to be pathogenic has been seen before.;Patient's phenotype or family history is highly specific for a disease with a single genetic etiology.

OMIM
Classification: Pathogenic for ORNITHINE TRANSCARBAMYLASE DEFICIENCY. Last evaluated: 2001-02-01. Review status: no assertion criteria provided. Collection method: literature only. Allele origin: germline. Not counted in ClinVar's aggregate classification.

GenMed Metabolism Lab
Classification: Pathogenic. Review status: no assertion criteria provided. Collection method: not provided. Allele origin: unknown. Not counted in ClinVar's aggregate classification.
Comment: p.Arg40Cys, Late, CpG dinucleotide
ClinVar note: Converted during submission from pathogenic to Pathogenic.

Literature cited by the submitters: PubMed 20406775 (cited by 5 submitters); PubMed 27738433 (cited by 3 submitters); PubMed 34014569 (cited by Myriad Genetics, Inc. and Natera, Inc.); PubMed 7860066 (cited by 8 submitters); PubMed 24006547 (cited by Victorian Clinical Genetics Services, Murdoch Childrens Research Institute); PubMed 25026867 (cited by 3 submitters); PubMed 11260212 (cited by 7 submitters); PubMed 23209112 (cited by 4 submitters); PubMed 7951259 (cited by Labcorp Genetics (formerly Invitae), Labcorp); PubMed 19893582 (cited by Labcorp Genetics (formerly Invitae), Labcorp); PubMed 37593415 (cited by Color Diagnostics, LLC DBA Color Health and All of Us Research Program, National Institutes of Health); PubMed 35046116 (cited by Natera, Inc.); PubMed 8863155 (cited by Laboratory for Molecular Medicine, Mass General Brigham Personalized Medicine and OMIM); PubMed 21070677 (cited by Laboratory for Molecular Medicine, Mass General Brigham Personalized Medicine); PubMed 26059767 (cited by Women's Health and Genetics/Laboratory Corporation of America, LabCorp); PubMed 8364586 (cited by OMIM); PubMed 9143919 (cited by OMIM).